The following is an entry in ClinVar:

NM_019109.5(ALG1):c.875del (p.Phe292fs)

Gene: ALG1 (ALG1 chitobiosyldiphosphodolichol beta-mannosyltransferase; plus strand). Cytogenetic location: 16p13.3.
Variant type: Deletion.
Coding change: c.875del on transcript NM_019109.5 (MANE Select); coding-DNA position 875, one base deleted (T; older notation c.875delT).
Protein change: p.Phe292fs; shifts the reading frame from phenylalanine 292.
Molecular consequence: frameshift variant.
Genome position (GRCh38, 1-based): chr16:5,079,076, T deleted; the last of 2 consecutive T bases (chr16:5,079,075-5,079,076); deleting either gives the same sequence. VCF-style (leftmost placement, unchanged base first): chr16-5079074-CT-C. GRCh37 (hg19) VCF-style: chr16-5129075-CT-C.
Other names: c.542del, p.Phe181fs (NM_001330504.2); short protein forms F292fs, F181fs.
Identifiers: ClinVar variation 2698916 (VCV002698916.3), dbSNP rs1596257782, ClinGen allele CA919645331.

ClinVar aggregate classification (germline): Pathogenic (1 of 4 stars; one submission).

Conditions:
ALG1-congenital disorder of glycosylation. Also called: CONGENITAL DISORDER OF GLYCOSYLATION, TYPE Ik; ALG1-CDG; CDG Ik. Identifiers: Orphanet 79327, MedGen C2931005, MONDO:0012052, OMIM 608540.

Submission:

Labcorp Genetics (formerly Invitae), Labcorp
Classification: Pathogenic for ALG1-congenital disorder of glycosylation. Last evaluated: 2023-11-25. Review status: criteria provided, single submitter. Criteria: Invitae Variant Classification Sherloc (09022015). Collection method: clinical testing. Allele origin: germline.
Comment: This sequence change creates a premature translational stop signal (p.Phe292Serfs*8) in the ALG1 gene. It is expected to result in an absent or disrupted protein product. Loss-of-function variants in ALG1 are known to be pathogenic (PMID: 20679665, 23806237). This variant is not present in population databases (gnomAD no frequency). This variant has not been reported in the literature in individuals affected with ALG1-related conditions. Algorithms developed to predict the effect of sequence changes on RNA splicing suggest that this variant may disrupt the consensus splice site. For these reasons, this variant has been classified as Pathogenic.

Literature cited by the submitters: PubMed 20679665; PubMed 23806237.